The following is an entry in ClinVar:

ClinVar aggregate classification (germline): Uncertain significance (1 of 4 stars; one submission).

Conditions:
Symmetrical dyschromatosis of extremities (DSH). Also called: RETICULATE ACROPIGMENTATION OF DOHI; SYMMETRIC DYSCHROMATOSIS OF THE EXTREMITIES; Dyschromatosis symmetrica hereditaria; DYSCHROMATOSIS SYMMETRICA HEREDITARIA 1. Identifiers: Orphanet 41, MedGen C0406775, MONDO:0007483, OMIM 127400.
Aicardi-Goutieres syndrome 6 (AGS6). Identifiers: Orphanet 51, MedGen C3539013, MONDO:0014007, OMIM 615010.

gnomAD v4.1: 1 of 1,613,994 alleles (0.000062%); highest among the groups gnomAD compares: African/African-American, 0.0013%; no homozygotes.

Submission:

Labcorp Genetics (formerly Invitae), Labcorp
Classification: Uncertain significance for Aicardi-Goutieres syndrome 6; Symmetrical dyschromatosis of extremities. Last evaluated: 2025-10-03. Review status: criteria provided, single submitter. Criteria: Invitae Variant Classification Sherloc (09022015). Collection method: clinical testing. Allele origin: germline.
Comment: This sequence change replaces asparagine, which is neutral and polar, with lysine, which is basic and polar, at codon 796 of the ADAR protein (p.Asn796Lys). This variant is not present in population databases (gnomAD no frequency). This variant has not been reported in the literature in individuals affected with ADAR-related conditions. ClinVar contains an entry for this variant (Variation ID: 1434576). Invitae Evidence Modeling of protein sequence and biophysical properties (such as structural, functional, and spatial information, amino acid conservation, physicochemical variation, residue mobility, and thermodynamic stability) indicates that this missense variant is not expected to disrupt ADAR protein function with a negative predictive value of 80%. In summary, the available evidence is currently insufficient to determine the role of this variant in disease. Therefore, it has been classified as a Variant of Uncertain Significance.

NM_001111.5(ADAR):c.2388C>A (p.Asn796Lys)

Gene: ADAR (adenosine deaminase RNA specific; minus strand). Cytogenetic location: 1q21.3.
Variant type: single nucleotide variant.
Coding change: c.2388C>A on transcript NM_001111.5 (MANE Select); coding-DNA position 2388, C replaced by A.
Protein change: p.Asn796Lys; replaces asparagine 796 with lysine.
Molecular consequence: missense variant.
Genome position (GRCh38, 1-based): chr1:154,590,292, G>T on the plus strand (C>A on the coding strand, the complement: ADAR is on the minus strand). VCF-style: chr1-154590292-G-T. GRCh37 (hg19) VCF-style: chr1-154562768-G-T.
Other names: c.1503C>A, p.Asn501Lys (NM_001025107.3, NM_001193495.2, NM_001365046.1 and 3 more transcripts); c.2415C>A, p.Asn805Lys (NM_001365045.1); c.2388C>A, p.Asn796Lys (NM_015840.4); c.2331C>A, p.Asn777Lys (NM_015841.4); short protein forms N805K, N777K, N501K, N796K.
Identifiers: ClinVar variation 1434576 (VCV001434576.8), dbSNP rs1251582638, ClinGen allele CA342637361.